The following is an entry in ClinVar:

ClinVar aggregate classification (germline): Uncertain significance (1 of 4 stars; one submission).

Submission:

Quest Diagnostics Nichols Institute San Juan Capistrano
Classification: Uncertain significance. Last evaluated: 2024-12-30. Review status: criteria provided, single submitter. Criteria: Quest Diagnostics criteria. Collection method: clinical testing. Allele origin: unknown.
Comment: The FANCA c.4270G>A (p.Asp1424Asn) variant has not been reported in individuals with FANCA-related conditions in the published literature. It also has not been reported in large, multi-ethnic general populations (Genome Aggregation Database). Analysis of this variant using bioinformatics tools for the prediction of the effect of amino acid changes on protein structure and function yielded predictions that this variant is benign. Based on the available information, we are unable to determine the clinical significance of this variant.

NM_000135.4(FANCA):c.4270G>A (p.Asp1424Asn)

Genes: ZNF276 (zinc finger protein 276; plus strand), FANCA (FA complementation group A; minus strand). Cytogenetic location: 16q24.3.
Variant type: single nucleotide variant.
Coding change: c.4270G>A on transcript NM_000135.4 (MANE Select); coding-DNA position 4270, G replaced by A.
Protein change: p.Asp1424Asn; replaces aspartic acid 1424 with asparagine.
Molecular consequence: missense variant. On other transcripts: synonymous variant (1), 3 prime UTR variant (2), non-coding transcript variant (4).
Genome position (GRCh38, 1-based): chr16:89,738,699, C>T on the plus strand (G>A on the coding strand, the complement: FANCA is on the minus strand). VCF-style: chr16-89738699-C-T. GRCh37 (hg19) VCF-style: chr16-89805107-C-T.
Other names: c.4274G>A, p.Ter1425= (NM_001286167.3); c.*453C>T (NM_001113525.2, NM_152287.4); short protein forms D1424N.
Identifiers: ClinVar variation 4532880 (VCV004532880.1).
Genomic context (GRCh38, chr16:89,738,699, plus strand): 5'-GGGCAGCCTGCTGTCTGCTCTGGAGGGCGGCGCTCACCTCTGGGTCGCAGTCCCCACGAT[C>T]AGCCAGCAGCTGTGAGAGAGGAGCAGGTCCTCAGCCCATGCCGCCCACTAGGCCTCAGAC-3'
Protein context (NP_000126.2, residues 1414-1434): SFSHVAELLA[Asp1424Asn]RGDCDPEVSA